The following is an entry in ClinVar:

ClinVar aggregate classification (germline): Uncertain significance (1 of 4 stars; one submission).

Submission:

Dasa
Classification: Uncertain significance. Last evaluated: 2026-04-24. Review status: criteria provided, single submitter. Criteria: DASA Assertion Criteria. Collection method: clinical testing. Allele origin: germline.
Comment: NM_002473.6(MYH9):c.3102G>C (p.Glu1034Asp) is a missense variant that results in the substitution of glutamic acid with aspartic acid. This variant is rare in population databases. The currently available literature and clinical evidence are not sufficient to establish a definitive association between this variant and the reported condition. Therefore, this variant is classified as a variant of uncertain significance.

NM_002473.6(MYH9):c.3102G>C (p.Glu1034Asp)

Gene: MYH9 (myosin heavy chain 9; minus strand). Cytogenetic location: 22q12.3.
Variant type: single nucleotide variant.
Coding change: c.3102G>C on transcript NM_002473.6 (MANE Select); coding-DNA position 3102, G replaced by C.
Protein change: p.Glu1034Asp; replaces glutamic acid 1034 with aspartic acid.
Molecular consequence: missense variant.
Genome position (GRCh38, 1-based): chr22:36,297,013, C>G on the plus strand (G>C on the coding strand, the complement: MYH9 is on the minus strand). VCF-style: chr22-36297013-C-G. GRCh37 (hg19) VCF-style: chr22-36693059-C-G.
Other names: short protein forms E1034D.
Identifiers: ClinVar variation 4886203 (VCV004886203.2).